The following is an entry in ClinVar:

ClinVar aggregate classification (germline): Conflicting classifications of pathogenicity. Review status: criteria provided, conflicting classifications (1 of 4 stars). 4 submissions from 4 submitters: Uncertain significance (1); Benign (2); Likely benign (1). Last evaluated 2025-05-12.

Conditions:
Tuberous sclerosis 2 (TSC2). Identifiers: Orphanet 805, MedGen C1860707, MONDO:0013199, OMIM 613254.
Hereditary cancer-predisposing syndrome. Also called: Hereditary neoplastic syndrome; Tumor predisposition; Neoplastic Syndromes, Hereditary; Hereditary Cancer Syndrome. Identifiers: Orphanet 140162, MedGen C0027672, MeSH D009386, MONDO:0015356.
Tuberous sclerosis syndrome (TSC). Also called: Tuberous Sclerosis Complex; Tuberous sclerosis. Identifiers: Orphanet 805, MedGen C0041341, MONDO:0001734.

Allele frequency attached by ClinVar (database versions not stated): gnomAD 0.00001; TOPMed 0.00001.
gnomAD v4.1: 1 of 1,597,074 alleles (0.000063%); highest among the groups gnomAD compares: African/African-American, 0.0013%; no homozygotes.

Submissions (4):

Myriad Genetics, Inc.
Classification: Benign for Tuberous sclerosis 2. Last evaluated: 2025-05-12. Review status: criteria provided, single submitter. Criteria: Myriad Autosomal Dominant, Autosomal Recessive and X-Linked Classification Criteria (2023). Collection method: clinical testing. Allele origin: unknown.
Comment: This variant is considered benign. This variant is a silent/synonymous amino acid change and it is not expected to impact splicing.

Labcorp Genetics (formerly Invitae), Labcorp
Classification: Benign for Tuberous sclerosis 2. Last evaluated: 2024-09-24. Review status: criteria provided, single submitter. Criteria: Invitae Variant Classification Sherloc (09022015). Collection method: clinical testing. Allele origin: germline.

All of Us Research Program, National Institutes of Health
Classification: Uncertain significance for Tuberous sclerosis syndrome. Last evaluated: 2023-07-10. Review status: criteria provided, single submitter. Criteria: ACMG Guidelines, 2015. Collection method: clinical testing. Allele origin: germline. Inheritance: Autosomal dominant inheritance. Observed: 1 variant allele, 1 heterozygote.
Comment: This variant is located in the TSC2 protein. To our knowledge, functional studies have not been reported for this variant. This variant has not been reported in individuals affected with tuberous sclerosis complex in the literature. This variant has been identified in 1/31392 chromosomes in the general population by the Genome Aggregation Database (gnomAD). The available evidence is insufficient to determine the role of this variant in disease conclusively. Therefore, this variant is classified as a Variant of Uncertain Significance.

This study involves interpretation of variants in research participants for the purpose of population health screening. Participant phenotype was not available at the time of variant classification. Additional details can be found in publication PMID: 35346344, PMCID: PMC8962531

Ambry Genetics
Classification: Likely benign for Hereditary cancer-predisposing syndrome. Last evaluated: 2020-10-02. Review status: criteria provided, single submitter. Criteria: Ambry Variant Classification Scheme 2023. Collection method: clinical testing. Allele origin: germline.

NM_000548.5(TSC2):c.900C>T (p.Gly300=)

Gene: TSC2 (TSC complex subunit 2; plus strand). Cytogenetic location: 16p13.3.
Variant type: single nucleotide variant.
Coding change: c.900C>T on transcript NM_000548.5 (MANE Select); coding-DNA position 900, C replaced by T.
Protein change: p.Gly300=; no amino-acid change (glycine 300 retained).
Molecular consequence: synonymous variant.
Genome position (GRCh38, 1-based): chr16:2,058,798, C>T. VCF-style: chr16-2058798-C-T. GRCh37 (hg19) VCF-style: chr16-2108799-C-T.
Other names: c.900C>T, p.Gly300= (NM_001077183.3, NM_001114382.3, NM_001363528.2 and 3 more transcripts); c.789C>T, p.Gly263= (NM_001318827.2); c.753C>T, p.Gly251= (NM_001318829.2); c.300C>T, p.Gly100= (NM_001318831.2); c.933C>T, p.Gly311= (NM_001318832.2).
Identifiers: ClinVar variation 952707 (VCV000952707.12), dbSNP rs1415187475, ClinGen allele CA492959666.
Genomic context (GRCh38, chr16:2,058,798, plus strand): 5'-CACTTTTAGAGCCTACATGGAGGACGCGCCCCTGCTGAGAGGAGCCGTGTTTTTTGTGGG[C>T]ATGGCTCTCTGGGGAGCCCACCGGCTCTATTCTCTCAGGAACTCGCCGACATCTGTGTTG-3'
Protein context (NP_000539.2, residues 290-310): PLLRGAVFFV[Gly300=]MALWGAHRLY